The following is an entry in ClinVar:

ClinVar aggregate classification (germline): Uncertain significance (1 of 4 stars; one submission).

Allele frequency attached by ClinVar (database versions not stated): TOPMed below 0.00001.

Submission:

Labcorp Genetics (formerly Invitae), Labcorp
Classification: Uncertain significance. Last evaluated: 2022-06-13. Review status: criteria provided, single submitter. Criteria: Invitae Variant Classification Sherloc (09022015). Collection method: clinical testing. Allele origin: germline.
Comment: In summary, the available evidence is currently insufficient to determine the role of this variant in disease. Therefore, it has been classified as a Variant of Uncertain Significance. Algorithms developed to predict the effect of missense changes on protein structure and function output the following: SIFT: "Tolerated"; PolyPhen-2: "Benign"; Align-GVGD: "Class C0". The valine amino acid residue is found in multiple mammalian species, which suggests that this missense change does not adversely affect protein function. ClinVar contains an entry for this variant (Variation ID: 1021076). This variant has not been reported in the literature in individuals affected with IMPG1-related conditions. This variant is not present in population databases (gnomAD no frequency). This sequence change replaces isoleucine, which is neutral and non-polar, with valine, which is neutral and non-polar, at codon 9 of the IMPG1 protein (p.Ile9Val).

NM_001563.4(IMPG1):c.25A>G (p.Ile9Val)

Gene: IMPG1 (interphotoreceptor matrix proteoglycan 1; minus strand). Cytogenetic location: 6q14.1.
Variant type: single nucleotide variant.
Coding change: c.25A>G on transcript NM_001563.4 (MANE Select); coding-DNA position 25, A replaced by G.
Protein change: p.Ile9Val; replaces isoleucine 9 with valine.
Molecular consequence: missense variant.
Genome position (GRCh38, 1-based): chr6:76,072,464, T>C on the plus strand (A>G on the coding strand, the complement: IMPG1 is on the minus strand). VCF-style: chr6-76072464-T-C. GRCh37 (hg19) VCF-style: chr6-76782181-T-C.
Other names: c.25A>G, p.Ile9Val (NM_001282368.2); short protein forms I9V.
Identifiers: ClinVar variation 1021076 (VCV001021076.8), dbSNP rs1382214932, ClinGen allele CA364830766.